The following is an entry in ClinVar:

NM_005861.4(STUB1):c.197G>A (p.Arg66Gln)

Gene: STUB1 (STIP1 homology and U-box containing protein 1; plus strand). Cytogenetic location: 16p13.3.
Variant type: single nucleotide variant.
Coding change: c.197G>A on transcript NM_005861.4 (MANE Select); coding-DNA position 197, G replaced by A.
Protein change: p.Arg66Gln; replaces arginine 66 with glutamine.
Molecular consequence: missense variant. On other transcripts: 5 prime UTR variant (1).
Genome position (GRCh38, 1-based): chr16:681,189, G>A. VCF-style: chr16-681189-G-A. GRCh37 (hg19) VCF-style: chr16-731189-G-A.
Other names: c.-20G>A (NM_001293197.2); short protein forms R66Q.
Identifiers: ClinVar variation 3906763 (VCV003906763.1).
Genomic context (GRCh38, chr16:681,189, plus strand): 5'-GCTGGCCCGGCCTTGGTCCCTAGACCCGGAACCCGCTGGTGGCCGTGTATTACACCAACC[G>A]GGCCTTGTGCTACCTGAAGATGCAGCAGCACGAGCAGGCCCTGGCCGACTGCCGGCGCGC-3'
Protein context (NP_005852.2, residues 56-76): NPLVAVYYTN[Arg66Gln]ALCYLKMQQH

ClinVar aggregate classification (germline): Uncertain significance (1 of 4 stars; one submission).

Submission:

GeneDx
Classification: Uncertain significance. Last evaluated: 2024-12-19. Review status: criteria provided, single submitter. Criteria: GeneDx Variant Classification Process June 2021. Collection method: clinical testing. Allele origin: germline. Affected: yes.
Comment: Not observed at significant frequency in large population cohorts (gnomAD); In silico analysis supports a deleterious effect on splicing; In silico analysis supports that this missense variant has a deleterious effect on protein structure/function; Has not been previously published as pathogenic or benign to our knowledge